The following is an entry in ClinVar:

ClinVar aggregate classification (germline): Pathogenic (1 of 4 stars; one submission).

Conditions:
Leber congenital amaurosis 3 (LCA3). Also called: SPATA7-Related Retinitis Pigmentosa. Identifiers: MedGen C1858677, MONDO:0011415, OMIM 604232.

Submission:

3billion
Classification: Pathogenic for Leber congenital amaurosis 3. Last evaluated: 2026-01-06. Review status: criteria provided, single submitter. Criteria: ACMG Guidelines, 2015. Collection method: clinical testing. Allele origin: germline. Affected: yes.
Comment: The variant is observed at an extremely low frequency in the gnomAD v4.1.0 dataset (total allele frequency: <0.001%). Predicted Consequence/Location: Frameshift: predicted to result in a loss or disruption of normal protein function through nonsense-mediated decay (NMD) or protein truncation. Multiple pathogenic variants are reported downstream of the variant. Therefore, this variant is classified as Pathogenic according to the recommendation of ACMG/AMP guideline.

NM_018418.5(SPATA7):c.1095_1096del (p.Leu366fs)

Gene: SPATA7 (spermatogenesis associated 7; plus strand). Cytogenetic location: 14q31.3.
Variant type: Deletion.
Coding change: c.1095_1096del on transcript NM_018418.5 (MANE Select); coding-DNA positions 1095 to 1096, 2 bases deleted (GT; older notation c.1095_1096delGT).
Protein change: p.Leu366fs; shifts the reading frame from leucine 366.
Molecular consequence: frameshift variant.
Genome position (GRCh38, 1-based): chr14:88,433,147-88,433,148, GT deleted; deleting any 2 consecutive bases within chr14:88,433,146-88,433,148 gives the same sequence; the c. name uses the placement nearest the transcript's 3' end. VCF-style (leftmost placement, unchanged base first): chr14-88433145-CTG-C. GRCh37 (hg19) VCF-style: chr14-88899489-CTG-C.
Other names: c.999_1000del, p.Leu334fs (NM_001040428.4); short protein forms L334fs, L366fs.
Identifiers: ClinVar variation 4853915 (VCV004853915.1).